The following is an entry in ClinVar:

NM_014423.4(AFF4):c.343C>T (p.Pro115Ser)

Gene: AFF4 (ALF transcription elongation factor 4; minus strand). Cytogenetic location: 5q31.1.
Variant type: single nucleotide variant.
Coding change: c.343C>T on transcript NM_014423.4 (MANE Select); coding-DNA position 343, C replaced by T.
Protein change: p.Pro115Ser; replaces proline 115 with serine.
Molecular consequence: missense variant.
Genome position (GRCh38, 1-based): chr5:132,934,722, G>A on the plus strand (C>T on the coding strand, the complement: AFF4 is on the minus strand). VCF-style: chr5-132934722-G-A. GRCh37 (hg19) VCF-style: chr5-132270414-G-A.
Other names: short protein forms P115S.
Identifiers: ClinVar variation 4992294 (VCV004992294.1).

ClinVar aggregate classification (germline): Uncertain significance (1 of 4 stars; one submission).

Conditions:
AFF4-related disorder. Also called: AFF4-related condition.

Submission:

PreventionGenetics, part of Exact Sciences
Classification: Uncertain significance for AFF4-related condition. Last evaluated: 2025-09-03. Review status: criteria provided, single submitter. Criteria: ACMG Guidelines, 2015. Collection method: clinical testing. Allele origin: germline.
Comment: The AFF4 c.343C>T variant is predicted to result in the amino acid substitution p.Pro115Ser. To our knowledge, this variant has not been reported in the literature or in a large population database (gnomAD), indicating this variant is rare. At this time, the clinical significance of this variant is uncertain due to the absence of conclusive functional and genetic evidence.